The following is an entry in ClinVar:

ClinVar aggregate classification (germline): Pathogenic/Likely pathogenic. Review status: criteria provided, multiple submitters, no conflicts (2 of 4 stars). 2 submissions from 2 submitters: Pathogenic (1); Likely pathogenic (1). Last evaluated 2022-06-25.

Conditions:
Arrhythmogenic cardiomyopathy with wooly hair and keratoderma. Also called: Carvajal syndrome; Dilated cardiomyopathy with woolly hair and keratoderma; Arrhythmogenic cardiomyopathy with woolly hair and keratoderma; PALMOPLANTAR KERATODERMA WITH LEFT VENTRICULAR CARDIOMYOPATHY AND WOOLLY HAIR. Identifiers: Orphanet 65282, MedGen C1854063, MONDO:0011581, OMIM 605676.
Arrhythmogenic right ventricular dysplasia 8 (ARVD8). Also called: ARRHYTHMOGENIC RIGHT VENTRICULAR DYSPLASIA, FAMILIAL, 8; ARRHYTHMOGENIC RIGHT VENTRICULAR CARDIOMYOPATHY 8; Arrhythmogenic Right Ventricular Dysplasia/Cardiomyopathy 8. Identifiers: MedGen C1843896, MONDO:0011831, OMIM 607450.

Submissions (2):

Labcorp Genetics (formerly Invitae), Labcorp
Classification: Pathogenic for Arrhythmogenic cardiomyopathy with wooly hair and keratoderma; Arrhythmogenic right ventricular dysplasia 8. Last evaluated: 2022-06-25. Review status: criteria provided, single submitter. Criteria: Invitae Variant Classification Sherloc (09022015). Collection method: clinical testing. Allele origin: germline.
Comment: For these reasons, this variant has been classified as Pathogenic. This variant disrupts a region of the DSP protein in which other variant(s) (p.Glu2728Glyfs*11) have been determined to be pathogenic (PMID: 21859740, 28527814; Invitae). This suggests that this is a clinically significant region of the protein, and that variants that disrupt it are likely to be disease-causing. ClinVar contains an entry for this variant (Variation ID: 422637). This variant has not been reported in the literature in individuals affected with DSP-related conditions. This sequence change creates a premature translational stop signal (p.Leu2153Alafs*3) in the DSP gene. While this is not anticipated to result in nonsense mediated decay, it is expected to disrupt the last 719 amino acid(s) of the DSP protein. This variant is not present in population databases (gnomAD no frequency).

GeneDx
Classification: Likely pathogenic. Last evaluated: 2017-05-31. Review status: criteria provided, single submitter. Criteria: GeneDx Variant Classification (06012015). Collection method: clinical testing. Allele origin: germline. Affected: yes.
Comment: Although the c.6456dupG likely pathogenic variant in the DSP gene has not been reported to our knowledge, this variant causes a shift in reading frame starting at codon leucine 2153, changing it to an alanine, and creating a premature stop codon at position 3 of the new reading frame, denoted p.Leu2153AlafsX3. This likely pathogenic variant is expected to result in an abnormal, truncated protein product as the last 719 amino acids are replaced with two incorrect amino acids. Other downstream frameshift variants in the DSP gene have been reported in HGMD in association with DSP-related disorders (Stenson et al., 2014), indicating that loss of function is a mechanism of disease for this gene. Furthermore, the c.6456dupG variant has not been observed in large population cohorts (Lek et al., 2016; 1000 Genomes Consortium et al., 2015; Exome Variant Server).

Literature cited by the submitters: PubMed 21859740 (cited by Labcorp Genetics (formerly Invitae), Labcorp); PubMed 28527814 (cited by Labcorp Genetics (formerly Invitae), Labcorp).

NM_004415.4(DSP):c.6456dup (p.Leu2153fs)

Gene: DSP (desmoplakin; plus strand). Cytogenetic location: 6p24.3.
Variant type: Duplication.
Coding change: c.6456dup on transcript NM_004415.4 (MANE Select); coding-DNA position 6456, one base duplicated (G; older notation c.6456dupG).
Protein change: p.Leu2153fs; shifts the reading frame from leucine 2153.
Molecular consequence: frameshift variant.
Genome position (GRCh38, 1-based): chr6:7,583,718, G duplicated; the last of 5 consecutive G bases (chr6:7,583,714-7,583,718); duplicating any one gives the same sequence. VCF-style (leftmost placement, unchanged base first): chr6-7583713-C-CG. GRCh37 (hg19) VCF-style: chr6-7583946-C-CG.
Other names: c.6456dup (LRG_423t1); c.4659dup, p.Leu1554fs (NM_001008844.3); c.5127dup, p.Leu1710fs (NM_001319034.2); short protein forms L1554fs, L1710fs, L2153fs.
Identifiers: ClinVar variation 422637 (VCV000422637.7), dbSNP rs1554108854, ClinGen allele CA16618325.